The following is an entry in ClinVar:

ClinVar aggregate classification (germline): Uncertain significance (1 of 4 stars; one submission).

Conditions:
Predisposition to Wilms tumor.

gnomAD v4.1: 37 of 1,613,998 alleles (0.0023%); highest among the groups gnomAD compares: African/African-American, 0.0053%; no homozygotes.

Submission:

St. Jude Molecular Pathology, St. Jude Children's Research Hospital
Classification: Uncertain significance for Predisposition to Wilms tumor. Last evaluated: 2026-10-01. Review status: criteria provided, single submitter. Criteria: St. Jude Assertion Criteria 2020. Collection method: clinical testing. Allele origin: germline.
Comment: The NYNRIN c.1082C>T p.(Pro361L eu) missense change has a maximum subpopulation frequency of 0.008% in gnomAD v2.1.1. The in silico tool REVEL predicts a benign effect on protein function, but to our knowledge this prediction has not been confirmed b y functional studies. To our knowledge, this variant has not been reported in the literature in individuals with Wilms tumor. In summary, the evidence currently available is insufficient to determine the clinical significance of this variant. It has ther efore been classified as of uncertain significance.

NM_025081.3(NYNRIN):c.1082C>T (p.Pro361Leu)

Gene: NYNRIN (NYN domain and retroviral integrase containing; plus strand). Cytogenetic location: 14q12.
Variant type: single nucleotide variant.
Coding change: c.1082C>T on transcript NM_025081.3 (MANE Select); coding-DNA position 1082, C replaced by T.
Protein change: p.Pro361Leu; replaces proline 361 with leucine.
Molecular consequence: missense variant.
Genome position (GRCh38, 1-based): chr14:24,408,876, C>T. VCF-style: chr14-24408876-C-T. GRCh37 (hg19) VCF-style: chr14-24878082-C-T.
Other names: short protein forms P361L.
Identifiers: ClinVar variation 5038351 (VCV005038351.1).